The following is an entry in ClinVar:

ClinVar aggregate classification (germline): Conflicting classifications of pathogenicity. Review status: criteria provided, conflicting classifications (1 of 4 stars). 4 submissions from 3 submitters: Uncertain significance (3); Benign (1). Last evaluated 2026-03-10.

Conditions:
Spinocerebellar ataxia, autosomal recessive, with axonal neuropathy 2 (SCAN2). Also called: ATAXIA-OCULOMOTOR APRAXIA 2; Ataxia-ocular apraxia-2; Ataxia with Oculomotor Apraxia; Ataxia with Oculomotor Apraxia Type 2. Identifiers: Orphanet 64753, MedGen C1853761, MONDO:0018996, OMIM 606002.
Amyotrophic lateral sclerosis type 4 (ALS4). Also called: AMYOTROPHIC LATERAL SCLEROSIS 4, JUVENILE; NEURONOPATHY, DISTAL HEREDITARY MOTOR, WITH PYRAMIDAL FEATURES. Identifiers: Orphanet 357043, MedGen C1865409, MONDO:0011223, OMIM 602433.
Inborn genetic diseases. Identifiers: MedGen C0950123, MeSH D030342.

Allele frequency attached by ClinVar (database versions not stated): TOPMed 0.00002; gnomAD 0.00001; ExAC 0.00002.
gnomAD v4.1: 31 of 1,613,876 alleles (0.0019%); highest among the groups gnomAD compares: South Asian, 0.0044%; no homozygotes.

Submissions (4):

Ambry Genetics
Classification: Uncertain significance for Inborn genetic diseases. Last evaluated: 2026-03-10. Review status: criteria provided, single submitter. Criteria: Ambry Variant Classification Scheme 2023. Collection method: clinical testing. Allele origin: germline.
Comment: The c.5936G>A (p.R1979H) alteration is located in exon 14 (coding exon 12) of the SETX gene. This alteration results from a G to A substitution at nucleotide position 5936, causing the arginine (R) at amino acid position 1979 to be replaced by a histidine (H). Based on data from gnomAD, the A allele has an overall frequency of 0.001% (3/251432) total alleles studied. The highest observed frequency was 0.003% (1/30612) of South Asian alleles. Based on insufficient or conflicting evidence, the clinical significance of this alteration remains unclear.

Genome-Nilou Lab
Classification: Uncertain significance for Spinocerebellar ataxia, autosomal recessive, with axonal neuropathy 2. Last evaluated: 2023-02-08. Review status: criteria provided, single submitter. Criteria: ACMG Guidelines, 2015. Collection method: clinical testing. Allele origin: germline.

Genome-Nilou Lab
Classification: Uncertain significance for Amyotrophic lateral sclerosis type 4. Last evaluated: 2023-02-08. Review status: criteria provided, single submitter. Criteria: ACMG Guidelines, 2015. Collection method: clinical testing. Allele origin: germline.

Labcorp Genetics (formerly Invitae), Labcorp
Classification: Benign for Amyotrophic lateral sclerosis type 4; Spinocerebellar ataxia, autosomal recessive, with axonal neuropathy 2. Last evaluated: 2022-12-06. Review status: criteria provided, single submitter. Criteria: Invitae Variant Classification Sherloc (09022015). Collection method: clinical testing. Allele origin: germline.

NM_015046.7(SETX):c.5936G>A (p.Arg1979His)

Gene: SETX (senataxin; minus strand). Cytogenetic location: 9q34.13.
Variant type: single nucleotide variant.
Coding change: c.5936G>A on transcript NM_015046.7 (MANE Select); coding-DNA position 5936, G replaced by A.
Protein change: p.Arg1979His; replaces arginine 1979 with histidine.
Molecular consequence: missense variant.
Genome position (GRCh38, 1-based): chr9:132,296,900, C>T on the plus strand (G>A on the coding strand, the complement: SETX is on the minus strand). VCF-style: chr9-132296900-C-T. GRCh37 (hg19) VCF-style: chr9-135172287-C-T.
Other names: c.5936G>A, p.Arg1979His (NM_001351527.2, NM_001351528.2); short protein forms R1979H.
Identifiers: ClinVar variation 1505692 (VCV001505692.9), dbSNP rs761031238, ClinGen allele CA5296874.